The following is an entry in ClinVar:

NM_001242896.3(DEPDC5):c.1414C>T (p.Pro472Ser)

Gene: DEPDC5 (DEP domain containing 5, GATOR1 subcomplex subunit; plus strand). Cytogenetic location: 22q12.3.
Variant type: single nucleotide variant.
Coding change: c.1414C>T on transcript NM_001242896.3 (MANE Select); coding-DNA position 1414, C replaced by T.
Protein change: p.Pro472Ser; replaces proline 472 with serine.
Molecular consequence: missense variant. On other transcripts: non-coding transcript variant (5).
Genome position (GRCh38, 1-based): chr22:31,810,610, C>T. VCF-style: chr22-31810610-C-T. GRCh37 (hg19) VCF-style: chr22-32206596-C-T.
Other names: c.1414C>T, p.Pro472Ser (NM_001007188.4, NM_001136029.4, NM_001242897.2 and 7 more transcripts); c.1330C>T, p.Pro444Ser (NM_001369901.1, NM_001369902.1); short protein forms P444S, P472S.
Identifiers: ClinVar variation 2853040 (VCV002853040.3), dbSNP rs2519102557, ClinGen allele CA411276968.

ClinVar aggregate classification (germline): Uncertain significance (1 of 4 stars; one submission).

Conditions:
Familial focal epilepsy with variable foci (FPEVF). Identifiers: Orphanet 98820, MedGen C1858477, MONDO:0020310.

Submission:

Labcorp Genetics (formerly Invitae), Labcorp
Classification: Uncertain significance for Familial focal epilepsy with variable foci. Last evaluated: 2025-06-23. Review status: criteria provided, single submitter. Criteria: Invitae Variant Classification Sherloc (09022015). Collection method: clinical testing. Allele origin: germline.
Comment: This sequence change replaces proline, which is neutral and non-polar, with serine, which is neutral and polar, at codon 472 of the DEPDC5 protein (p.Pro472Ser). This variant is not present in population databases (gnomAD no frequency). This variant has not been reported in the literature in individuals affected with DEPDC5-related conditions. ClinVar contains an entry for this variant (Variation ID: 2853040). Experimental studies and prediction algorithms are not available or were not evaluated, and the functional significance of this variant is currently unknown. In summary, the available evidence is currently insufficient to determine the role of this variant in disease. Therefore, it has been classified as a Variant of Uncertain Significance.